The following is an entry in ClinVar:

ClinVar aggregate classification (germline): Benign. Review status: criteria provided, multiple submitters, no conflicts (2 of 4 stars). 5 submissions from 5 submitters: Benign (4). 1 of the submissions does not count toward it. Last evaluated 2026-02-04.

Conditions:
ARHGEF1-related disorder. Also called: ARHGEF1-related condition.

Allele frequency attached by ClinVar (database versions not stated): gnomAD exomes 0.08202; ExAC 0.09185; ESP Exome Variant Server 0.19468; TOPMed 0.20182; 1000 Genomes Project 0.26717; 1000 Genomes Project 30x 0.27545.
gnomAD v4.1: 77,373 of 1,613,920 alleles (4.8%); highest among the groups gnomAD compares: African/African-American, 58%; 15,041 homozygotes.

Submissions (5):

Labcorp Genetics (formerly Invitae), Labcorp
Classification: Benign. Last evaluated: 2026-02-04. Review status: criteria provided, single submitter. Criteria: Invitae Variant Classification Sherloc (09022015). Collection method: clinical testing. Allele origin: germline.

Women's Health and Genetics/Laboratory Corporation of America, LabCorp
Classification: Benign. Last evaluated: 2026-01-21. Review status: criteria provided, single submitter. Criteria: LabCorp Variant Classification Summary - May 2015. Collection method: clinical testing. Allele origin: germline.

Blueprint Genetics
Classification: Benign. Last evaluated: 2024-11-28. Review status: criteria provided, single submitter. Criteria: ACMG Guidelines, 2015. Collection method: clinical testing. Allele origin: germline.

Breakthrough Genomics
Classification: Benign. Review status: criteria provided, single submitter. Criteria: ACMG Guidelines, 2015. Collection method: not provided. Allele origin: germline. Inheritance: Autosomal recessive inheritance. Affected: yes.

PreventionGenetics, part of Exact Sciences
Classification: Benign for ARHGEF1-related condition. Last evaluated: 2019-11-11. Review status: no assertion criteria provided. Collection method: clinical testing. Allele origin: germline. Not counted in ClinVar's aggregate classification.
Comment: This variant is classified as benign based on ACMG/AMP sequence variant interpretation guidelines (Richards et al. 2015 PMID: 25741868, with internal and published modifications).

NM_004706.4(ARHGEF1):c.72C>T (p.Ile24=)

Gene: ARHGEF1 (Rho guanine nucleotide exchange factor 1; plus strand). Cytogenetic location: 19q13.2.
Variant type: single nucleotide variant.
Coding change: c.72C>T on transcript NM_004706.4 (MANE Select); coding-DNA position 72, C replaced by T.
Protein change: p.Ile24=; no amino-acid change (isoleucine 24 retained).
Molecular consequence: synonymous variant.
Genome position (GRCh38, 1-based): chr19:41,888,239, C>T. VCF-style: chr19-41888239-C-T. GRCh37 (hg19) VCF-style: chr19-42392310-C-T.
Other names: c.72C>T, p.Ile24= (NM_198977.2); c.117C>T, p.Ile39= (NM_199002.2); c.117C>T (NM_199002.1).
Identifiers: ClinVar variation 1168808 (VCV001168808.14), dbSNP rs2288509, ClinGen allele CA9465772.